The following is an entry in ClinVar:

NM_000337.6(SGCD):c.663C>A (p.Cys221Ter)

Gene: SGCD (sarcoglycan delta; plus strand). Cytogenetic location: 5q33.3.
Variant type: single nucleotide variant.
Coding change: c.663C>A on transcript NM_000337.6 (MANE Select); coding-DNA position 663, C replaced by A.
Protein change: p.Cys221Ter; replaces cysteine 221 with a stop codon.
Molecular consequence: nonsense.
Genome position (GRCh38, 1-based): chr5:156,757,668, C>A. VCF-style: chr5-156757668-C-A. GRCh37 (hg19) VCF-style: chr5-156184679-C-A.
Other names: c.660C>A, p.Cys220Ter (NM_001128209.2); c.663C>A, p.Cys221Ter (NM_172244.3); short protein forms C221*, C220*.
Identifiers: ClinVar variation 557026 (VCV000557026.7), dbSNP rs1175344271, ClinGen allele CA362008612.

ClinVar aggregate classification (germline): Uncertain significance. Review status: criteria provided, single submitter (1 of 4 stars). 2 submissions from 2 submitters: Uncertain significance (1). 1 of the submissions does not count toward it. Last evaluated 2020-06-10.

Conditions:
Dilated cardiomyopathy 1L (CMD1L). Identifiers: Orphanet 154, MedGen C1847667, MONDO:0011702, OMIM 606685.
Autosomal recessive limb-girdle muscular dystrophy type 2F (LGMDR6). Also called: MUSCULAR DYSTROPHY, LIMB-GIRDLE, AUTOSOMAL RECESSIVE 6; Muscular dystrophy limb-girdle with delta-sarcoglyan deficiency. Identifiers: Orphanet 219, MedGen C1832525, MONDO:0011028, OMIM 601287. Disease mechanism: Affects gamma-sarcoglycan and also disrupts the integrity of the entire sarcoglycan complex..

Submissions (2):

Labcorp Genetics (formerly Invitae), Labcorp
Classification: Uncertain significance for Autosomal recessive limb-girdle muscular dystrophy type 2F. Last evaluated: 2020-06-10. Review status: criteria provided, single submitter. Criteria: Invitae Variant Classification Sherloc (09022015). Collection method: clinical testing. Allele origin: germline.
Comment: This sequence change results in a premature translational stop signal in the SGCD gene (p.Cys221*). While this is not anticipated to result in nonsense mediated decay, it is expected to disrupt the last 70 amino acids of the SGCD protein. This variant is not present in population databases (ExAC no frequency). This variant has not been reported in the literature in individuals with SGCD-related conditions. ClinVar contains an entry for this variant (Variation ID: 557026). In summary, the available evidence is currently insufficient to determine the role of this variant in disease. Therefore, it has been classified as a Variant of Uncertain Significance.

Counsyl
Classification: Likely pathogenic for Dilated cardiomyopathy 1L; Autosomal recessive limb-girdle muscular dystrophy type 2F. Last evaluated: 2018-03-05. Review status: no assertion criteria provided. Collection method: clinical testing. Allele origin: unknown. Not counted in ClinVar's aggregate classification.

Literature cited by the submitters: PubMed 16524571 (cited by Counsyl).